The following is an entry in ClinVar:

NM_007347.5(AP4E1):c.1368A>C (p.Ser456=)

Gene: AP4E1 (adaptor related protein complex 4 subunit epsilon 1; plus strand). Cytogenetic location: 15q21.2.
Variant type: single nucleotide variant.
Coding change: c.1368A>C on transcript NM_007347.5 (MANE Select); coding-DNA position 1368, A replaced by C.
Protein change: p.Ser456=; no amino-acid change (serine 456 retained).
Molecular consequence: synonymous variant.
Genome position (GRCh38, 1-based): chr15:50,949,877, A>C. VCF-style: chr15-50949877-A-C. GRCh37 (hg19) VCF-style: chr15-51242074-A-C.
Other names: c.1143A>C, p.Ser381= (NM_001252127.2).
Identifiers: ClinVar variation 2009045 (VCV002009045.4), dbSNP rs2504768485, ClinGen allele CA490353545.

ClinVar aggregate classification (germline): Uncertain significance (1 of 4 stars; one submission).

Conditions:
Spastic paraplegia. Identifiers: MedGen C0037772, HP:0001258.

Submission:

Labcorp Genetics (formerly Invitae), Labcorp
Classification: Uncertain significance for Spastic paraplegia. Last evaluated: 2022-06-22. Review status: criteria provided, single submitter. Criteria: Invitae Variant Classification Sherloc (09022015). Collection method: clinical testing. Allele origin: germline.
Comment: This variant has not been reported in the literature in individuals affected with AP4E1-related conditions. This variant is not present in population databases (gnomAD no frequency). This sequence change affects codon 456 of the AP4E1 mRNA. It is a 'silent' change, meaning that it does not change the encoded amino acid sequence of the AP4E1 protein. Algorithms developed to predict the effect of sequence changes on RNA splicing suggest that this variant may disrupt the consensus splice site. In summary, the available evidence is currently insufficient to determine the role of this variant in disease. Therefore, it has been classified as a Variant of Uncertain Significance.